The following is an entry in ClinVar:

ClinVar aggregate classification (germline): Uncertain significance (1 of 4 stars; one submission).

Conditions:
Fanconi anemia (FA). Also called: Fanconi's anemia. Identifiers: Orphanet 84, MedGen C0015625, MeSH D005199, MONDO:0019391.

gnomAD v4.1: 1 of 1,613,846 alleles (0.000062%); highest among the groups gnomAD compares: East Asian, 0.0022%; no homozygotes.

Submission:

Labcorp Genetics (formerly Invitae), Labcorp
Classification: Uncertain significance for Fanconi anemia. Last evaluated: 2024-08-12. Review status: criteria provided, single submitter. Criteria: Invitae Variant Classification Sherloc (09022015). Collection method: clinical testing. Allele origin: germline.
Comment: This sequence change replaces lysine, which is basic and polar, with asparagine, which is neutral and polar, at codon 515 of the FANCM protein (p.Lys515Asn). This variant is present in population databases (rs748414059, gnomAD 0.006%). This variant has not been reported in the literature in individuals affected with FANCM-related conditions. An algorithm developed to predict the effect of missense changes on protein structure and function (PolyPhen-2) suggests that this variant¬†is likely to be tolerated. In summary, the available evidence is currently insufficient to determine the role of this variant in disease. Therefore, it has been classified as a Variant of Uncertain Significance.

NM_020937.4(FANCM):c.1545A>C (p.Lys515Asn)

Gene: FANCM (FA complementation group M; plus strand). Cytogenetic location: 14q21.2.
Variant type: single nucleotide variant.
Coding change: c.1545A>C on transcript NM_020937.4 (MANE Select); coding-DNA position 1545, A replaced by C.
Protein change: p.Lys515Asn; replaces lysine 515 with asparagine.
Molecular consequence: missense variant.
Genome position (GRCh38, 1-based): chr14:45,159,244, A>C. VCF-style: chr14-45159244-A-C. GRCh37 (hg19) VCF-style: chr14-45628447-A-C.
Other names: c.1467A>C, p.Lys489Asn (NM_001308133.2); c.1545A>C, p.Lys515Asn (NM_001308134.2); short protein forms K489N, K515N.
Identifiers: ClinVar variation 3665166 (VCV003665166.1).